The following is an entry in ClinVar:

NM_002458.3(MUC5B):c.13164G>T (p.Thr4388=)

Gene: MUC5B (mucin 5B, oligomeric mucus/gel-forming; plus strand). Cytogenetic location: 11p15.5.
Variant type: single nucleotide variant.
Coding change: c.13164G>T on transcript NM_002458.3 (MANE Select); coding-DNA position 13164, G replaced by T.
Protein change: p.Thr4388=; no amino-acid change (threonine 4388 retained).
Molecular consequence: synonymous variant.
Genome position (GRCh38, 1-based): chr11:1,250,044, G>T. VCF-style: chr11-1250044-G-T. GRCh37 (hg19) VCF-style: chr11-1271274-G-T.
Identifiers: ClinVar variation 1050775 (VCV001050775.2), dbSNP rs370908099, ClinGen allele CA472454396.

ClinVar aggregate classification (germline): Uncertain significance. Review status: criteria provided, single submitter (1 of 4 stars). 2 submissions from 2 submitters: Uncertain significance (1). 1 of the submissions does not count toward it. Last evaluated 2022-02-25.

Conditions:
Interstitial lung disease 2 (ILD2). Also called: Familial idiopathic pulmonary fibrosis; FIBROCYSTIC PULMONARY DYSPLASIA; FIBROSING ALVEOLITIS, CRYPTOGENIC. Identifiers: Orphanet 2032, Orphanet 79126, MedGen C5561926, MONDO:0800497, OMIM 178500, MONDO:0800029.

gnomAD v4.1: 3 of 1,608,666 alleles (0.00019%); highest among the groups gnomAD compares: East Asian, 0.0022%; no homozygotes.

Submissions (2):

Fulgent Genetics
Classification: Uncertain significance for Interstitial lung disease 2. Last evaluated: 2022-02-25. Review status: criteria provided, single submitter. Criteria: ACMG Guidelines, 2015. Collection method: clinical testing. Allele origin: unknown.

Department of Pathology and Laboratory Medicine, Sinai Health System
Classification: Uncertain significance. Review status: no assertion criteria provided. Collection method: clinical testing. Allele origin: unknown. Affected: yes. Study: The Canadian Open Genetics Repository (COGR). Not counted in ClinVar's aggregate classification.
Comment: The MUC5B p.Thr4388Thr variant was not identified in the literature nor was it identified in dbSNP, ClinVar, Cosmic, or LOVD 3.0. The variant was not identified in the following control databases: the 1000 Genomes Project, the NHLBI GO Exome Sequencing Project, the Exome Aggregation Consortium (August 8th 2016), or the Genome Aggregation Database (Feb 27, 2017). The p.Thr4388Thr variant is not expected to have clinical significance because it does not result in a change of amino acid and is not located in a known consensus splice site. The variant occurs outside of the splicing consensus sequence and 3 of 4 in silico or computational prediction software programs (SpliceSiteFinder, MaxEntScan, GeneSplicer) do not predict a greater than 10% difference in splicing; this is not very predictive of pathogenicity. In summary, based on the above information the clinical significance of this variant cannot be determined with certainty at this time. This variant is classified as a variant of uncertain significance.